The following is an entry in ClinVar:

ClinVar aggregate classification (germline): Uncertain significance (1 of 4 stars; one submission).

Submission:

Labcorp Genetics (formerly Invitae), Labcorp
Classification: Uncertain significance. Last evaluated: 2023-12-01. Review status: criteria provided, single submitter. Criteria: Invitae Variant Classification Sherloc (09022015). Collection method: clinical testing. Allele origin: germline.
Comment: This sequence change replaces arginine, which is basic and polar, with glycine, which is neutral and non-polar, at codon 1267 of the DUOX2 protein (p.Arg1267Gly). This variant is not present in population databases (gnomAD no frequency). This variant has not been reported in the literature in individuals affected with DUOX2-related conditions. Advanced modeling of protein sequence and biophysical properties (such as structural, functional, and spatial information, amino acid conservation, physicochemical variation, residue mobility, and thermodynamic stability) performed at Invitae indicates that this missense variant is expected to disrupt DUOX2 protein function with a positive predictive value of 80%. In summary, the available evidence is currently insufficient to determine the role of this variant in disease. Therefore, it has been classified as a Variant of Uncertain Significance.

NM_001363711.2(DUOX2):c.3799C>G (p.Arg1267Gly)

Gene: DUOX2 (dual oxidase 2; minus strand). Cytogenetic location: 15q21.1.
Variant type: single nucleotide variant.
Coding change: c.3799C>G on transcript NM_001363711.2 (MANE Select); coding-DNA position 3799, C replaced by G.
Protein change: p.Arg1267Gly; replaces arginine 1267 with glycine.
Molecular consequence: missense variant.
Genome position (GRCh38, 1-based): chr15:45,097,286, G>C on the plus strand (C>G on the coding strand, the complement: DUOX2 is on the minus strand). VCF-style: chr15-45097286-G-C. GRCh37 (hg19) VCF-style: chr15-45389484-G-C.
Other names: c.3799C>G, p.Arg1267Gly (NM_014080.5); short protein forms R1267G.
Identifiers: ClinVar variation 2803213 (VCV002803213.3), dbSNP rs752437461, ClinGen allele CA392254748.